The following is an entry in ClinVar:

ClinVar aggregate classification (germline): Likely benign (1 of 4 stars; one submission).

Submission:

CeGaT Center for Human Genetics Tuebingen
Classification: Likely benign. Last evaluated: 2026-02-01. Review status: criteria provided, single submitter. Criteria: CeGaT Center For Human Genetics Tuebingen Variant Classification Criteria Version 2. Collection method: clinical testing. Allele origin: germline. Affected: yes. Observed: 1 variant allele.
Comment: PDF: BP4, BP7

NM_022341.2(PDF):c.21G>A (p.Ala7=)

Genes: COG8 (component of oligomeric golgi complex 8; minus strand), PDF (peptide deformylase, mitochondrial; minus strand). Cytogenetic location: 16q22.1.
Variant type: single nucleotide variant.
Coding change: c.21G>A on transcript NM_022341.2 (MANE Select); coding-DNA position 21, G replaced by A.
Protein change: p.Ala7=; no amino-acid change (alanine 7 retained).
Molecular consequence: synonymous variant. On other transcripts: intron variant (7).
Genome position (GRCh38, 1-based): chr16:69,330,550, C>T on the plus strand (G>A on the coding strand, the complement: PDF is on the minus strand). VCF-style: chr16-69330550-C-T. GRCh37 (hg19) VCF-style: chr16-69364453-C-T.
Other names: c.1414-1371G>A (NM_001379266.1); c.1583-1371G>A (NM_001379265.1); c.1759+369G>A (NM_001379262.1); c.*23+266G>A (NM_001379264.1); c.*26+263G>A (NM_032382.5, NM_001379263.1, NM_001379261.1).
Identifiers: ClinVar variation 4821641 (VCV004821641.4).